The following is an entry in ClinVar:

ClinVar aggregate classification (germline): Likely benign (1 of 4 stars; one submission).

gnomAD v4.1: 2 of 1,188,811 alleles (0.00017%); highest among the groups gnomAD compares: South Asian, 0.0036%; no homozygotes.

Submission:

CeGaT Center for Human Genetics Tuebingen
Classification: Likely benign. Last evaluated: 2024-08-01. Review status: criteria provided, single submitter. Criteria: CeGaT Center For Human Genetics Tuebingen Variant Classification Criteria Version 2. Collection method: clinical testing. Allele origin: germline. Affected: yes. Observed: 1 variant allele.
Comment: CASK: BP4, BP7

NM_001367721.1(CASK):c.2229C>G (p.Val743=)

Gene: CASK (calcium/calmodulin dependent serine protein kinase; minus strand). Cytogenetic location: Xp11.4.
Variant type: single nucleotide variant.
Coding change: c.2229C>G on transcript NM_001367721.1 (MANE Select); coding-DNA position 2229, C replaced by G.
Protein change: p.Val743=; no amino-acid change (valine 743 retained).
Molecular consequence: synonymous variant.
Genome position (GRCh38, 1-based): chrX:41,534,900, G>C on the plus strand (C>G on the coding strand, the complement: CASK is on the minus strand). VCF-style: chrX-41534900-G-C. GRCh37 (hg19) VCF-style: chrX-41394153-G-C.
Other names: c.2145C>G, p.Val715= (NM_001126054.3); c.2142C>G, p.Val714= (NM_001126055.3); c.2211C>G, p.Val737= (NM_001410745.1); c.2214C>G, p.Val738= (NM_003688.4).
Identifiers: ClinVar variation 3341941 (VCV003341941.16).